The following is an entry in ClinVar:

ClinVar aggregate classification (germline): Uncertain significance (1 of 4 stars; one submission).

Submission:

Labcorp Genetics (formerly Invitae), Labcorp
Classification: Uncertain significance. Last evaluated: 2023-01-17. Review status: criteria provided, single submitter. Criteria: Invitae Variant Classification Sherloc (09022015). Collection method: clinical testing. Allele origin: germline.
Comment: In summary, the available evidence is currently insufficient to determine the role of this variant in disease. Therefore, it has been classified as a Variant of Uncertain Significance. Advanced modeling of protein sequence and biophysical properties (such as structural, functional, and spatial information, amino acid conservation, physicochemical variation, residue mobility, and thermodynamic stability) performed at Invitae indicates that this missense variant is not expected to disrupt NFE2L2 protein function. This variant has not been reported in the literature in individuals affected with NFE2L2-related conditions. This variant is not present in population databases (gnomAD no frequency). This sequence change replaces phenylalanine, which is neutral and non-polar, with leucine, which is neutral and non-polar, at codon 339 of the NFE2L2 protein (p.Phe339Leu).

NM_006164.5(NFE2L2):c.1017C>G (p.Phe339Leu)

Gene: NFE2L2 (NFE2 like bZIP transcription factor 2; minus strand). Cytogenetic location: 2q31.2.
Variant type: single nucleotide variant.
Coding change: c.1017C>G on transcript NM_006164.5 (MANE Select); coding-DNA position 1017, C replaced by G.
Protein change: p.Phe339Leu; replaces phenylalanine 339 with leucine.
Molecular consequence: missense variant.
Genome position (GRCh38, 1-based): chr2:177,231,586, G>C on the plus strand (C>G on the coding strand, the complement: NFE2L2 is on the minus strand). VCF-style: chr2-177231586-G-C. GRCh37 (hg19) VCF-style: chr2-178096314-G-C.
Other names: c.969C>G, p.Phe323Leu (NM_001145412.3, NM_001313900.1, NM_001313901.1); c.948C>G, p.Phe316Leu (NM_001145413.3); c.927C>G, p.Phe309Leu (NM_001313902.2); c.798C>G, p.Phe266Leu (NM_001313903.2); c.717C>G, p.Phe239Leu (NM_001313904.1); short protein forms F339L, F239L, F266L, F323L, F309L, F316L.
Identifiers: ClinVar variation 2829594 (VCV002829594.3), dbSNP rs2105453082, ClinGen allele CA349372564.